The following is an entry in ClinVar:

ClinVar aggregate classification (germline): Uncertain significance (1 of 4 stars; one submission).

Conditions:
Congenital myasthenic syndrome 8. Also called: MYASTHENIC SYNDROME, CONGENITAL, DUE TO AGRIN DEFICIENCY; Myasthenic syndrome, congenital, 8, with pre- and postsynaptic defects. Identifiers: Orphanet 590, MedGen C3808739, MONDO:0014052, OMIM 615120.

gnomAD v4.1: 1 of 1,613,184 alleles (0.000062%); highest among the groups gnomAD compares: African/African-American, 0.0013%; no homozygotes.

Submission:

Labcorp Genetics (formerly Invitae), Labcorp
Classification: Uncertain significance for Congenital myasthenic syndrome 8. Last evaluated: 2022-11-22. Review status: criteria provided, single submitter. Criteria: Invitae Variant Classification Sherloc (09022015). Collection method: clinical testing. Allele origin: germline.
Comment: In summary, the available evidence is currently insufficient to determine the role of this variant in disease. Therefore, it has been classified as a Variant of Uncertain Significance. Algorithms developed to predict the effect of missense changes on protein structure and function (SIFT, PolyPhen-2, Align-GVGD) all suggest that this variant is likely to be tolerated. This variant has not been reported in the literature in individuals affected with AGRN-related conditions. This variant is not present in population databases (gnomAD no frequency). This sequence change replaces aspartic acid, which is acidic and polar, with tyrosine, which is neutral and polar, at codon 1639 of the AGRN protein (p.Asp1639Tyr).

NM_198576.4(AGRN):c.4915G>T (p.Asp1639Tyr)

Gene: AGRN (agrin; plus strand). Cytogenetic location: 1p36.33.
Variant type: single nucleotide variant.
Coding change: c.4915G>T on transcript NM_198576.4 (MANE Select); coding-DNA position 4915, G replaced by T.
Protein change: p.Asp1639Tyr; replaces aspartic acid 1639 with tyrosine.
Molecular consequence: missense variant.
Genome position (GRCh38, 1-based): chr1:1,050,268, G>T. VCF-style: chr1-1050268-G-T. GRCh37 (hg19) VCF-style: chr1-985648-G-T.
Other names: c.4915G>T, p.Asp1639Tyr (NM_001305275.2); c.4600G>T, p.Asp1534Tyr (NM_001364727.2); short protein forms D1639Y, D1534Y.
Identifiers: ClinVar variation 2163841 (VCV002163841.4), dbSNP rs1362706828, ClinGen allele CA337779677.